The following is an entry in ClinVar:

ClinVar aggregate classification (germline): Likely benign (1 of 4 stars; one submission).

Allele frequency attached by ClinVar (database versions not stated): gnomAD 0.00001; gnomAD exomes 0.00001; TOPMed 0.00002.
gnomAD v4.1: 12 of 1,613,286 alleles (0.00074%); highest among the groups gnomAD compares: Middle Eastern, 0.016%; no homozygotes.

Submission:

CeGaT Center for Human Genetics Tuebingen
Classification: Likely benign. Last evaluated: 2024-02-01. Review status: criteria provided, single submitter. Criteria: CeGaT Center For Human Genetics Tuebingen Variant Classification Criteria Version 2. Collection method: clinical testing. Allele origin: germline. Affected: yes. Observed: 1 variant allele.
Comment: FRY: BP4, BP7

NM_023037.3(FRY):c.2772A>C (p.Gly924=)

Gene: FRY (FRY microtubule binding protein; plus strand). Cytogenetic location: 13q13.1.
Variant type: single nucleotide variant.
Coding change: c.2772A>C on transcript NM_023037.3 (MANE Select); coding-DNA position 2772, A replaced by C.
Protein change: p.Gly924=; no amino-acid change (glycine 924 retained).
Molecular consequence: synonymous variant.
Genome position (GRCh38, 1-based): chr13:32,178,934, A>C. VCF-style: chr13-32178934-A-C. GRCh37 (hg19) VCF-style: chr13-32753071-A-C.
Other names: c.2772A>C, p.Gly924= (NM_001411012.1).
Identifiers: ClinVar variation 3025940 (VCV003025940.22), dbSNP rs896212372, ClinGen allele CA247468507.
Genomic context (GRCh38, chr13:32,178,934, plus strand): 5'-TGCCGGCAGCGGAGACAACTATGTTACTTTGTGGAGAAATTACCTAATTCTTTGTTTTGG[A>C]GTTGCAAAACCCAGTATTATGAGCCCAGGACACTTAAGAGCTTCCACTCCAGAAATAATG-3'
Protein context (NP_075463.2, residues 914-934): LWRNYLILCF[Gly924=]VAKPSIMSPG